The following is an entry in ClinVar:

NM_199420.4(POLQ):c.2863A>G (p.Ile955Val)

Gene: POLQ (DNA polymerase theta; minus strand). Cytogenetic location: 3q13.33.
Variant type: single nucleotide variant.
Coding change: c.2863A>G on transcript NM_199420.4 (MANE Select); coding-DNA position 2863, A replaced by G.
Protein change: p.Ile955Val; replaces isoleucine 955 with valine.
Molecular consequence: missense variant.
Genome position (GRCh38, 1-based): chr3:121,490,068, T>C on the plus strand (A>G on the coding strand, the complement: POLQ is on the minus strand). VCF-style: chr3-121490068-T-C. GRCh37 (hg19) VCF-style: chr3-121208915-T-C.
Other names: short protein forms I955V.
Identifiers: ClinVar variation 3422510 (VCV003422510.1).

ClinVar aggregate classification (germline): Uncertain significance (1 of 4 stars; one submission).

Submission:

Ambry Genetics
Classification: Uncertain significance. Last evaluated: 2024-08-22. Review status: criteria provided, single submitter. Criteria: Ambry Variant Classification Scheme 2023. Collection method: clinical testing. Allele origin: germline.
Comment: The p.I955V variant (also known as c.2863A>G), located in coding exon 16 of the POLQ gene, results from an A to G substitution at nucleotide position 2863. The isoleucine at codon 955 is replaced by valine, an amino acid with highly similar properties. This amino acid position is conserved. In addition, this alteration is predicted to be tolerated by in silico analysis. Based on the available evidence, the clinical significance of this variant remains unclear.